The following is an entry in ClinVar:

ClinVar aggregate classification (germline): Uncertain significance. Review status: criteria provided, multiple submitters, no conflicts (2 of 4 stars). 4 submissions from 4 submitters: Uncertain significance (4). Last evaluated 2025-09-24.

Conditions:
Nephronophthisis. Also called: Juvenile Nephronophthisis. Identifiers: Orphanet 655, MedGen C0687120, MONDO:0019005, HP:0000090.
Jeune thoracic dystrophy. Also called: Jeune syndrome; Infantile thoracic dystrophy; Thoracic pelvic phalangeal dystrophy; Jeune's syndrome; Chondroectodermal dysplasia-like syndrome; Short-rib thoracic dysplasia. Identifiers: Orphanet 474, MedGen C0265275, MONDO:0018770.
Nephronophthisis 12 (NPHP12). Identifiers: Orphanet 655, MedGen C3151186, MONDO:0013442, OMIM 613820.
Asphyxiating thoracic dystrophy 4 (SRTD4). Also called: SHORT-RIB THORACIC DYSPLASIA 4 WITH OR WITHOUT POLYDACTYLY; SHORT-RIB THORACIC DYSPLASIA 4. Identifiers: Orphanet 474, MedGen C3151185, MONDO:0013441, OMIM 613819.
TTC21B-related disorder. Also called: TTC21B-related disorders; TTC21B-related condition.

Allele frequency attached by ClinVar (database versions not stated): ExAC 0.00001; gnomAD 0.00001 and 0.00002; gnomAD exomes 0.00002; TOPMed 0.00002.
gnomAD v4.1: 19 of 1,613,872 alleles (0.0012%); highest among the groups gnomAD compares: East Asian, 0.013%; no homozygotes.

Submissions (4):

PreventionGenetics, part of Exact Sciences
Classification: Uncertain significance for TTC21B-related condition. Last evaluated: 2025-09-24. Review status: criteria provided, single submitter. Criteria: ACMG Guidelines, 2015. Collection method: clinical testing. Allele origin: germline.
Comment: The TTC21B c.3551C>T variant is predicted to result in the amino acid substitution p.Ala1184Val. To our knowledge, this variant has not been reported in the literature. This variant is reported in 0.016% of alleles in individuals of East Asian descent in gnomAD. At this time, the clinical significance of this variant is uncertain due to the absence of conclusive functional and genetic evidence.

Labcorp Genetics (formerly Invitae), Labcorp
Classification: Uncertain significance for Jeune thoracic dystrophy; Nephronophthisis. Last evaluated: 2022-10-13. Review status: criteria provided, single submitter. Criteria: Invitae Variant Classification Sherloc (09022015). Collection method: clinical testing. Allele origin: germline.
Comment: This sequence change replaces alanine, which is neutral and non-polar, with valine, which is neutral and non-polar, at codon 1184 of the TTC21B protein (p.Ala1184Val). This variant is present in population databases (rs754751728, gnomAD 0.02%). This variant has not been reported in the literature in individuals affected with TTC21B-related conditions. ClinVar contains an entry for this variant (Variation ID: 1399485). Advanced modeling of protein sequence and biophysical properties (such as structural, functional, and spatial information, amino acid conservation, physicochemical variation, residue mobility, and thermodynamic stability) performed at Invitae indicates that this missense variant is not expected to disrupt TTC21B protein function. In summary, the available evidence is currently insufficient to determine the role of this variant in disease. Therefore, it has been classified as a Variant of Uncertain Significance.

Blueprint Genetics
Classification: Uncertain significance. Last evaluated: 2022-07-12. Review status: criteria provided, single submitter. Criteria: ACMG Guidelines, 2015. Collection method: clinical testing. Allele origin: germline.

Fulgent Genetics
Classification: Uncertain significance for Asphyxiating thoracic dystrophy 4; Nephronophthisis 12. Last evaluated: 2022-05-18. Review status: criteria provided, single submitter. Criteria: ACMG Guidelines, 2015. Collection method: clinical testing. Allele origin: unknown.

NM_024753.5(TTC21B):c.3551C>T (p.Ala1184Val)

Gene: TTC21B (tetratricopeptide repeat domain 21B; minus strand). Cytogenetic location: 2q24.3.
Variant type: single nucleotide variant.
Coding change: c.3551C>T on transcript NM_024753.5 (MANE Select); coding-DNA position 3551, C replaced by T.
Protein change: p.Ala1184Val; replaces alanine 1184 with valine.
Molecular consequence: missense variant.
Genome position (GRCh38, 1-based): chr2:165,883,927, G>A on the plus strand (C>T on the coding strand, the complement: TTC21B is on the minus strand). VCF-style: chr2-165883927-G-A. GRCh37 (hg19) VCF-style: chr2-166740437-G-A.
Other names: c.3551C>T (NM_024753.4); short protein forms A1184V.
Identifiers: ClinVar variation 1399485 (VCV001399485.8), dbSNP rs754751728, ClinGen allele CA1941473.